The following is an entry in ClinVar:

NM_017780.4(CHD7):c.500C>T (p.Pro167Leu)

Gene: CHD7 (chromodomain helicase DNA binding protein 7; plus strand). Cytogenetic location: 8q12.2.
Variant type: single nucleotide variant.
Coding change: c.500C>T on transcript NM_017780.4 (MANE Select); coding-DNA position 500, C replaced by T.
Protein change: p.Pro167Leu; replaces proline 167 with leucine.
Molecular consequence: missense variant.
Genome position (GRCh38, 1-based): chr8:60,741,932, C>T. VCF-style: chr8-60741932-C-T. GRCh37 (hg19) VCF-style: chr8-61654491-C-T.
Other names: c.500C>T, p.Pro167Leu (NM_001316690.1); short protein forms P167L.
Identifiers: ClinVar variation 288587 (VCV000288587.38), dbSNP rs61742851, ClinGen allele CA10606146.

ClinVar aggregate classification (germline): Conflicting classifications of pathogenicity. Review status: criteria provided, conflicting classifications (1 of 4 stars). 4 submissions from 4 submitters: Uncertain significance (3); Benign (1). Last evaluated 2025-03-29.

Conditions:
CHARGE syndrome (CHARGE). Also called: Hittner Hirsch Kreh syndrome; Coloboma, heart anomaly, choanal atresia, retardation, genital and ear anomalies; CHARGE association; Hall-Hittner syndrome; CHARGE ASSOCIATION--COLOBOMA, HEART ANOMALY, CHOANAL ATRESIA, RETARDATION, GENITAL AND EAR ANOMALIES. Identifiers: Orphanet 138, MedGen C0265354, MONDO:0008965.

Allele frequency attached by ClinVar (database versions not stated): gnomAD exomes 0.00001; gnomAD 0.00002 and 0.00003; TOPMed 0.00002.
gnomAD v4.1: 14 of 1,612,892 alleles (0.00087%); highest among the groups gnomAD compares: East Asian, 0.0067%; no homozygotes.

Submissions (4):

Labcorp Genetics (formerly Invitae), Labcorp
Classification: Benign for CHARGE syndrome. Last evaluated: 2025-03-29. Review status: criteria provided, single submitter. Criteria: Invitae Variant Classification Sherloc (09022015). Collection method: clinical testing. Allele origin: germline.

CeGaT Center for Human Genetics Tuebingen
Classification: Uncertain significance. Last evaluated: 2022-10-01. Review status: criteria provided, single submitter. Criteria: CeGaT Center For Human Genetics Tuebingen Variant Classification Criteria Version 2. Collection method: clinical testing. Allele origin: germline. Affected: yes. Observed: 1 variant allele.
Comment: CHD7: PM2, BP4

Eurofins Ntd Llc (ga)
Classification: Uncertain significance. Last evaluated: 2016-12-16. Review status: criteria provided, single submitter. Criteria: EGL Classification Definitions 2015. Collection method: clinical testing. Allele origin: germline. Observed: 1 variant allele, 1 heterozygote.

Institute of Human Genetics, University Hospital of Duesseldorf
Classification: Uncertain significance for CHD7-related CHARGE syndrome. Review status: criteria provided, single submitter. Criteria: ACMG Guidelines, 2015. Collection method: not provided. Allele origin: germline. Inheritance: Autosomal unknown. Affected: yes.

Literature cited by the submitters: PubMed 22461308 (cited by Eurofins Ntd Llc (ga)).